The following is an entry in ClinVar:

ClinVar aggregate classification (germline): Pathogenic (1 of 4 stars; one submission).

Conditions:
Hyperinsulinemic hypoglycemia, familial, 2. Also called: HYPERINSULINEMIC HYPOGLYCEMIA, PERSISTENT; HYPERINSULINISM, NEONATAL. Identifiers: Orphanet 276580, Orphanet 276603, MedGen C2931833, MONDO:0011153, OMIM 601820. Disease mechanism: loss of function.

Submission:

Myriad Genetics, Inc.
Classification: Pathogenic for Hyperinsulinemic hypoglycemia, familial, 2. Last evaluated: 2026-02-24. Review status: criteria provided, single submitter. Criteria: Myriad Autosomal Dominant, Autosomal Recessive and X-Linked Classification Criteria (2023). Collection method: clinical testing. Allele origin: unknown.
Comment: NM_000525.3(KCNJ11):c.895C>T(Q299*) is a nonsense variant classified as pathogenic in the context of familial hyperinsulinism, KCNJ11-related. Q299* has been observed in a case with relevant disease (PMID: 32851339). Relevant functional assessments of this variant are not available in the literature. Q299* has not been observed in referenced population frequency databases. In summary, NM_000525.3(KCNJ11):c.895C>T(Q299*) is a nonsense variant in a gene where loss of function is a known mechanism of disease, is predicted to disrupt protein function, and has been observed more frequently in cases with the relevant disease than in healthy populations. Please note: this variant was assessed in the context of healthy population screening.

Literature cited by the submitters: PubMed 32851339.

NM_000525.4(KCNJ11):c.895C>T (p.Gln299Ter)

Gene: KCNJ11 (potassium inwardly rectifying channel subfamily J member 11; minus strand). Cytogenetic location: 11p15.1.
Variant type: single nucleotide variant.
Coding change: c.895C>T on transcript NM_000525.4 (MANE Select); coding-DNA position 895, C replaced by T.
Protein change: p.Gln299Ter; replaces glutamine 299 with a stop codon.
Molecular consequence: nonsense.
Genome position (GRCh38, 1-based): chr11:17,387,197, G>A on the plus strand (C>T on the coding strand, the complement: KCNJ11 is on the minus strand). VCF-style: chr11-17387197-G-A. GRCh37 (hg19) VCF-style: chr11-17408744-G-A.
Other names: c.634C>T, p.Gln212Ter (NM_001166290.2, NM_001377296.1, NM_001377297.1); short protein forms Q299*, Q212*.
Identifiers: ClinVar variation 5003730 (VCV005003730.1).